The following is an entry in ClinVar:

NM_001291415.2(KDM6A):c.3001C>T (p.Arg1001Cys)

Gene: KDM6A (lysine demethylase 6A; plus strand). Cytogenetic location: Xp11.3.
Variant type: single nucleotide variant.
Coding change: c.3001C>T on transcript NM_001291415.2 (MANE Select); coding-DNA position 3001, C replaced by T.
Protein change: p.Arg1001Cys; replaces arginine 1001 with cysteine.
Molecular consequence: missense variant. On other transcripts: non-coding transcript variant (1).
Genome position (GRCh38, 1-based): chrX:45,078,412, C>T. VCF-style: chrX-45078412-C-T. GRCh37 (hg19) VCF-style: chrX-44937657-C-T.
Other names: c.2866C>T, p.Arg956Cys (NM_001291416.2, NM_001419811.1); c.2710C>T, p.Arg904Cys (NM_001291417.2); c.2608C>T, p.Arg870Cys (NM_001291418.2, NM_001419815.1); c.1957C>T, p.Arg653Cys (NM_001291421.2); c.2743C>T, p.Arg915Cys (NM_001410742.1, NM_001419814.1); c.3001C>T, p.Arg1001Cys (NM_001419809.1); c.2899C>T, p.Arg967Cys (NM_001419810.1, NM_001419813.1); c.2845C>T, p.Arg949Cys (NM_001419812.1, NM_021140.4); short protein forms R870C, R967C, R653C, R956C, R1001C, R915C, R949C, R904C.
Identifiers: ClinVar variation 3707091 (VCV003707091.2).
Genomic context (GRCh38, chrX:45,078,412, plus strand): 5'-TAAAAGCTCTGTTTTCCTGAGATCTAACCACATATTTTAATTTTACAGTTGGAAAATAAA[C>T]GTGATGCTTTCTTTCCTCCATTACATCAATTTTGTACAAATCCGAACAACCCTGTTACAG-3'
Protein context (NP_001278344.1, residues 991-1011): PTPSIYLENK[Arg1001Cys]DAFFPPLHQF

ClinVar aggregate classification (germline): Uncertain significance (1 of 4 stars; one submission).

Conditions:
Kabuki syndrome 2 (KABUK2). Also called: KDM6A-Related Kabuki Syndrome. Identifiers: Orphanet 2322, MedGen C3275495, MONDO:0010465, OMIM 300867.

gnomAD v4.1: 1 of 1,207,765 alleles (0.000083%); highest among the groups gnomAD compares: Non-Finnish European, 0.00011%; no homozygotes.

Submission:

Labcorp Genetics (formerly Invitae), Labcorp
Classification: Uncertain significance for Kabuki syndrome 2. Last evaluated: 2024-11-19. Review status: criteria provided, single submitter. Criteria: Invitae Variant Classification Sherloc (09022015). Collection method: clinical testing. Allele origin: germline.
Comment: This sequence change replaces arginine, which is basic and polar, with cysteine, which is neutral and slightly polar, at codon 949 of the KDM6A protein (p.Arg949Cys). This variant is not present in population databases (gnomAD no frequency). This variant has not been reported in the literature in individuals affected with KDM6A-related conditions. Invitae Evidence Modeling of protein sequence and biophysical properties (such as structural, functional, and spatial information, amino acid conservation, physicochemical variation, residue mobility, and thermodynamic stability) indicates that this missense variant is not expected to disrupt KDM6A protein function with a negative predictive value of 80%. In summary, the available evidence is currently insufficient to determine the role of this variant in disease. Therefore, it has been classified as a Variant of Uncertain Significance.